The following is an entry in ClinVar:

ClinVar aggregate classification (germline): Uncertain significance (1 of 4 stars; one submission).

Conditions:
Hereditary cancer-predisposing syndrome. Also called: Neoplastic Syndromes, Hereditary; Tumor predisposition; Hereditary Cancer Syndrome; Hereditary neoplastic syndrome. Identifiers: Orphanet 140162, MedGen C0027672, MeSH D009386, MONDO:0015356.
Cardiovascular phenotype. Identifiers: MedGen CN230736.

Submission:

Ambry Genetics
Classification: Uncertain significance for Cardiovascular phenotype; Hereditary cancer-predisposing syndrome. Last evaluated: 2021-05-14. Review status: criteria provided, single submitter. Criteria: Ambry Variant Classification Scheme 2023. Collection method: clinical testing. Allele origin: germline.
Comment: The c.4150_4179dup30 variant (also known as p.V1384_I1393dup), located in coding exon 31 of the NF1 gene, results from an in-frame duplication of 30 nucleotides at nucleotide positions 4150 to 4179. This results in the duplication of 10 extra residues (VGSAMFLRFI) between codons 1384 and 1393. This amino acid position is highly conserved in available vertebrate species. Since supporting evidence is limited at this time, the clinical significance of this alteration remains unclear.

NM_001042492.3(NF1):c.4213_4242dup (p.Ile1414_Asn1415insValGlySerAlaMetPheLeuArgPheIle)

Gene: NF1 (neurofibromin 1; plus strand). Cytogenetic location: 17q11.2.
Variant type: Duplication.
Coding change: c.4213_4242dup on transcript NM_001042492.3 (MANE Select); coding-DNA positions 4213 to 4242, 30 bases duplicated (GTAGGAAGTGCCATGTTCCTCAGATTTATC).
Protein change: p.Ile1414_Asn1415insValGlySerAlaMetPheLeuArgPheIle.
Molecular consequence: inframe insertion. On other transcripts: inframe indel (1).
Genome position (GRCh38, 1-based): chr17:31,258,383-31,258,412, GTAGGAAGTGCCATGTTCCTCAGATTTATC duplicated. VCF-style (leftmost placement, unchanged base first): chr17-31258382-A-AGTAGGAAGTGCCATGTTCCTCAGATTTATC. GRCh37 (hg19) VCF-style: chr17-29585400-A-AGTAGGAAGTGCCATGTTCCTCAGATTTATC.
Other names: c.4150_4179dupGTAGGAAGTGCCATGTTCCTCAGATTTATC (NM_000267.3); c.4150_4179dup, p.Ile1393_Asn1394insValGlySerAlaMetPheLeuArgPheIle (NM_000267.4).
Identifiers: ClinVar variation 1738260 (VCV001738260.2), dbSNP rs2508408176, ClinGen allele CA2580092858.